The following is an entry in ClinVar:

ClinVar aggregate classification (germline): Uncertain significance. Review status: criteria provided, multiple submitters, no conflicts (2 of 4 stars). 4 submissions from 4 submitters: Uncertain significance (4). Last evaluated 2026-01-21.

Conditions:
Hereditary cancer-predisposing syndrome. Also called: Hereditary Cancer Syndrome; Hereditary neoplastic syndrome; Tumor predisposition; Neoplastic Syndromes, Hereditary. Identifiers: Orphanet 140162, MedGen C0027672, MeSH D009386, MONDO:0015356.
Patterned macular dystrophy 2. Identifiers: Orphanet 99001, MedGen C1837029, MONDO:0012162, OMIM 608970.

Allele frequency attached by ClinVar (database versions not stated): gnomAD 0.00002; ESP Exome Variant Server 0.00015; ExAC 0.00002; gnomAD exomes 0.00001; TOPMed 0.00003.
gnomAD v4.1: 13 of 1,611,756 alleles (0.00081%); highest among the groups gnomAD compares: Non-Finnish European, 0.0011%; no homozygotes.

Submissions (4):

Labcorp Genetics (formerly Invitae), Labcorp
Classification: Uncertain significance. Last evaluated: 2026-01-21. Review status: criteria provided, single submitter. Criteria: Invitae Variant Classification Sherloc (09022015). Collection method: clinical testing. Allele origin: germline.
Comment: This sequence change replaces phenylalanine, which is neutral and non-polar, with valine, which is neutral and non-polar, at codon 648 of the CTNNA1 protein (p.Phe648Val). This variant is present in population databases (rs139529481, gnomAD 0.003%). This variant has not been reported in the literature in individuals affected with CTNNA1-related conditions. ClinVar contains an entry for this variant (Variation ID: 663564). Invitae Evidence Modeling of protein sequence and biophysical properties (such as structural, functional, and spatial information, amino acid conservation, physicochemical variation, residue mobility, and thermodynamic stability) indicates that this missense variant is not expected to disrupt CTNNA1 protein function with a negative predictive value of 80%. In summary, the available evidence is currently insufficient to determine the role of this variant in disease. Therefore, it has been classified as a Variant of Uncertain Significance.

GeneDx
Classification: Uncertain significance. Last evaluated: 2025-07-17. Review status: criteria provided, single submitter. Criteria: GeneDx Variant Classification Process June 2021. Collection method: clinical testing. Allele origin: germline.
Comment: Not observed at significant frequency in large population cohorts (gnomAD); In silico analysis suggests that this missense variant does not alter protein structure/function; Has not been previously published as pathogenic or benign to our knowledge; This variant is associated with the following publications: (PMID: 32051609)

Ambry Genetics
Classification: Uncertain significance for Hereditary cancer-predisposing syndrome. Last evaluated: 2024-06-07. Review status: criteria provided, single submitter. Criteria: Ambry Variant Classification Scheme 2023. Collection method: clinical testing. Allele origin: germline.
Comment: The p.F648V variant (also known as c.1942T>G), located in coding exon 13 of the CTNNA1 gene, results from a T to G substitution at nucleotide position 1942. The phenylalanine at codon 648 is replaced by valine, an amino acid with highly similar properties. This amino acid position is well conserved in available vertebrate species. In addition, the in silico prediction for this alteration is inconclusive. The evidence for this gene-disease relationship is limited; therefore, the clinical significance of this alteration is unclear.

Baylor Genetics
Classification: Uncertain significance for Patterned macular dystrophy 2. Last evaluated: 2023-11-10. Review status: criteria provided, single submitter. Criteria: ACMG Guidelines, 2015. Collection method: clinical testing. Allele origin: unknown.

NM_001903.5(CTNNA1):c.1942T>G (p.Phe648Val)

Gene: CTNNA1 (catenin alpha 1; plus strand). Cytogenetic location: 5q31.2.
Variant type: single nucleotide variant.
Coding change: c.1942T>G on transcript NM_001903.5 (MANE Select); coding-DNA position 1942, T replaced by G.
Protein change: p.Phe648Val; replaces phenylalanine 648 with valine.
Molecular consequence: missense variant.
Genome position (GRCh38, 1-based): chr5:138,929,288, T>G. VCF-style: chr5-138929288-T-G. GRCh37 (hg19) VCF-style: chr5-138264977-T-G.
Other names: c.832T>G, p.Phe278Val (NM_001323997.1, NM_001323998.1, NM_001323999.1 and 17 more transcripts); c.493T>G, p.Phe165Val (NM_001324006.1, NM_001324007.1, NM_001324008.1 and 2 more transcripts); c.1942T>G, p.Phe648Val (NM_001290307.3, NM_001323982.2, NM_001323983.1 and 2 more transcripts); c.1633T>G, p.Phe545Val (NM_001290309.3); c.1573T>G, p.Phe525Val (NM_001290310.3); c.1849T>G, p.Phe617Val (NM_001323986.2); c.739T>G, p.Phe247Val (NM_001324011.1); c.589T>G, p.Phe197Val (NM_001324012.1, NM_001324013.1); short protein forms F165V, F278V, F525V, F545V, F197V, F247V, F617V, F648V.
Identifiers: ClinVar variation 663564 (VCV000663564.17), dbSNP rs139529481, ClinGen allele CA3432074.